The following is an entry in ClinVar:

NM_001134407.3(GRIN2A):c.4330G>A (p.Val1444Ile)

Gene: GRIN2A (glutamate ionotropic receptor NMDA type subunit 2A; minus strand). Cytogenetic location: 16p13.2.
Variant type: single nucleotide variant.
Coding change: c.4330G>A on transcript NM_001134407.3 (MANE Select); coding-DNA position 4330, G replaced by A.
Protein change: p.Val1444Ile; replaces valine 1444 with isoleucine.
Molecular consequence: missense variant. On other transcripts: 3 prime UTR variant (1).
Genome position (GRCh38, 1-based): chr16:9,763,214, C>T on the plus strand (G>A on the coding strand, the complement: GRIN2A is on the minus strand). VCF-style: chr16-9763214-C-T. GRCh37 (hg19) VCF-style: chr16-9857071-C-T.
Other names: p.V1444I:GTT>ATT; c.4330G>A, p.Val1444Ile (NM_000833.5); c.*141G>A (NM_001134408.2); short protein forms V1444I.
Identifiers: ClinVar variation 205684 (VCV000205684.21), dbSNP rs150574045, ClinGen allele CA315000.
Genomic context (GRCh38, chr16:9,763,214, plus strand): 5'-CATCAGATTCGATACTAGGCATTTTCTTGTACACGCGTCTATTGCTGCAGGAATTTAAAA[C>T]CCTGGGGGTAGAGTACATATTATTCTTATTTGCAGCATAAGGCATAACATGCTCCGAAAT-3'
Protein context (NP_001127879.1, residues 1434-1454): NKNNMYSTPR[Val1444Ile]LNSCSNRRVY

ClinVar aggregate classification (germline): Conflicting classifications of pathogenicity. Review status: criteria provided, conflicting classifications (1 of 4 stars). 4 submissions from 4 submitters: Uncertain significance (1); Likely benign (2). 1 of the submissions does not count toward it. Last evaluated 2025-06-01.

Conditions:
GRIN2A-related complex neurodevelopmental disorder. Also called: GRIN2A-related disorder; GRIN2A-related condition. Identifiers: MedGen CN379781, MONDO:1060139.
Landau-Kleffner syndrome (FESD). Also called: APHASIA, ACQUIRED, WITH EPILEPSY; EPILEPSY, FOCAL, WITH SPEECH DISORDER AND WITH OR WITHOUT MENTAL RETARDATION. Identifiers: Orphanet 1945, Orphanet 725, Orphanet 98818, MedGen C0282512, MONDO:0009509, OMIM 245570.

Allele frequency attached by ClinVar (database versions not stated): gnomAD exomes 0.00001 and 0.00004; ExAC 0.00004; gnomAD 0.00007 and 0.00008; TOPMed 0.00012; ESP Exome Variant Server 0.00015; 1000 Genomes Project 30x 0.00016; 1000 Genomes Project 0.00020.
gnomAD v4.1: 25 of 1,614,006 alleles (0.0015%); highest among the groups gnomAD compares: African/African-American, 0.024%; no homozygotes.

Submissions (4):

Labcorp Genetics (formerly Invitae), Labcorp
Classification: Likely benign for Landau-Kleffner syndrome. Last evaluated: 2025-06-01. Review status: criteria provided, single submitter. Criteria: Invitae Variant Classification Sherloc (09022015). Collection method: clinical testing. Allele origin: germline.

GeneDx
Classification: Likely benign. Last evaluated: 2018-03-29. Review status: criteria provided, single submitter. Criteria: GeneDx Variant Classification Process June 2021. Collection method: clinical testing. Allele origin: germline. Affected: yes.

Eurofins Ntd Llc (ga)
Classification: Uncertain significance. Last evaluated: 2017-05-23. Review status: criteria provided, single submitter. Criteria: EGL Classification Definitions 2015. Collection method: clinical testing. Allele origin: germline. Observed: 1 variant allele, 1 heterozygote.

PreventionGenetics, part of Exact Sciences
Classification: Likely benign for GRIN2A-related condition. Last evaluated: 2024-08-22. Review status: no assertion criteria provided. Collection method: clinical testing. Allele origin: germline. Not counted in ClinVar's aggregate classification.
Comment: This variant is classified as likely benign based on ACMG/AMP sequence variant interpretation guidelines (Richards et al. 2015 PMID: 25741868, with internal and published modifications).